The following is an entry in ClinVar:

NM_005219.5(DIAPH1):c.533+3G>C

Gene: DIAPH1 (diaphanous related formin 1; minus strand). Cytogenetic location: 5q31.3.
Variant type: single nucleotide variant.
Coding change: c.533+3G>C on transcript NM_005219.5 (MANE Select); 3 bases into the intron after coding-DNA position 533, G replaced by C.
Molecular consequence: intron variant.
Genome position (GRCh38, 1-based): chr5:141,583,482, C>G on the plus strand (G>C on the coding strand, the complement: DIAPH1 is on the minus strand). VCF-style: chr5-141583482-C-G. GRCh37 (hg19) VCF-style: chr5-140963049-C-G.
Other names: c.506+3G>C (NM_001079812.3); c.533+3G>C (NM_001314007.2).
Identifiers: ClinVar variation 4784791 (VCV004784791.1).

ClinVar aggregate classification (germline): Uncertain significance (1 of 4 stars; one submission).

Conditions:
Progressive microcephaly-seizures-cortical blindness-developmental delay syndrome. Also called: Seizures, cortical blindness, and microcephaly syndrome. Identifiers: Orphanet 477814, MedGen C5567650, MONDO:0014714, OMIM 616632.
Autosomal dominant nonsyndromic hearing loss 1. Also called: DEAFNESS, AUTOSOMAL DOMINANT 1, WITH OR WITHOUT THROMBOCYTOPENIA; KONIGSMARK SYNDROME. Identifiers: Orphanet 90635, MedGen C1852282, MONDO:0007424, OMIM 124900.

Submission:

Labcorp Genetics (formerly Invitae), Labcorp
Classification: Uncertain significance for Progressive microcephaly-seizures-cortical blindness-developmental delay syndrome; Autosomal dominant nonsyndromic hearing loss 1. Last evaluated: 2025-07-07. Review status: criteria provided, single submitter. Criteria: Invitae Variant Classification Sherloc (09022015). Collection method: clinical testing. Allele origin: germline.
Comment: This sequence change falls in intron 5 of the DIAPH1 gene. It does not directly change the encoded amino acid sequence of the DIAPH1 protein. It affects a nucleotide within the consensus splice site. This variant is not present in population databases (gnomAD no frequency). This variant has not been reported in the literature in individuals affected with DIAPH1-related conditions. Variants that disrupt the consensus splice site are a relatively common cause of aberrant splicing (PMID: 17576681, 9536098). Algorithms developed to predict the effect of sequence changes on RNA splicing suggest that this variant may disrupt the consensus splice site. In summary, the available evidence is currently insufficient to determine the role of this variant in disease. Therefore, it has been classified as a Variant of Uncertain Significance.

Literature cited by the submitters: PubMed 17576681; PubMed 9536098.